The following is an entry in ClinVar:

ClinVar aggregate classification (germline): Uncertain significance (1 of 4 stars; one submission).

Conditions:
Congenital contractural arachnodactyly (CCA). Also called: BEALS SYNDROME; Beals-Hecht syndrome; Arthrogryposis, distal, type 9. Identifiers: Orphanet 115, MedGen C0220668, MONDO:0007363, OMIM 121050.

Submission:

Institute of Human Genetics, University of Leipzig Medical Center
Classification: Uncertain significance for Congenital contractural arachnodactyly. Last evaluated: 2024-12-30. Review status: criteria provided, single submitter. Criteria: ACMG Guidelines, 2015. Collection method: clinical testing. Allele origin: unknown. Inheritance: Autosomal dominant inheritance. Affected: yes.
Comment: Criteria applied: PM2,PP2

NM_001999.4(FBN2):c.927G>C (p.Gln309His)

Gene: FBN2 (fibrillin 2; minus strand). Cytogenetic location: 5q23.3.
Variant type: single nucleotide variant.
Coding change: c.927G>C on transcript NM_001999.4 (MANE Select); coding-DNA position 927, G replaced by C.
Protein change: p.Gln309His; replaces glutamine 309 with histidine.
Molecular consequence: missense variant.
Genome position (GRCh38, 1-based): chr5:128,446,506, C>G on the plus strand (G>C on the coding strand, the complement: FBN2 is on the minus strand). VCF-style: chr5-128446506-C-G. GRCh37 (hg19) VCF-style: chr5-127782199-C-G.
Other names: short protein forms Q309H.
Identifiers: ClinVar variation 3572909 (VCV003572909.2).
Genomic context (GRCh38, chr5:128,446,506, plus strand): 5'-CAATTAGGCATGCTTCCCAAAGTAGAGAGACTCACCTTCACATTTCTGAGTAGTTTCACT[C>G]TGTTTGTGACCAGCAGGGCATCTGCATTCAAAAGAGCCCACTGTATTGATACAGTTTCCT-3'
Protein context (NP_001990.2, residues 299-319): FECRCPAGHK[Gln309His]SETTQKCEDI